The following is an entry in ClinVar:

ClinVar aggregate classification (germline): Uncertain significance (1 of 4 stars; one submission).

Submission:

Labcorp Genetics (formerly Invitae), Labcorp
Classification: Uncertain significance. Last evaluated: 2024-08-22. Review status: criteria provided, single submitter. Criteria: Invitae Variant Classification Sherloc (09022015). Collection method: clinical testing. Allele origin: germline.
Comment: This sequence change falls in intron 3 of the LZTR1 gene. It does not directly change the encoded amino acid sequence of the LZTR1 protein. It affects a nucleotide within the consensus splice site. This variant is not present in population databases (gnomAD no frequency). This variant has not been reported in the literature in individuals affected with LZTR1-related conditions. Variants that disrupt the consensus splice site are a relatively common cause of aberrant splicing (PMID: 17576681, 9536098). Algorithms developed to predict the effect of sequence changes on RNA splicing suggest that this variant is not likely to affect RNA splicing. In summary, the available evidence is currently insufficient to determine the role of this variant in disease. Therefore, it has been classified as a Variant of Uncertain Significance.

Literature cited by the submitters: PubMed 17576681; PubMed 9536098.

NM_006767.4(LZTR1):c.320+4G>A

Gene: LZTR1 (leucine zipper like post translational regulator 1; plus strand). Cytogenetic location: 22q11.21.
Variant type: single nucleotide variant.
Coding change: c.320+4G>A on transcript NM_006767.4 (MANE Select); 4 bases into the intron after coding-DNA position 320, G replaced by A.
Molecular consequence: intron variant.
Genome position (GRCh38, 1-based): chr22:20,985,901, G>A. VCF-style: chr22-20985901-G-A. GRCh37 (hg19) VCF-style: chr22-21340190-G-A.
Identifiers: ClinVar variation 3670878 (VCV003670878.2).